The following is an entry in ClinVar:

NM_001942.4(DSG1):c.2634T>G (p.His878Gln)

Genes: DSG1 (desmoglein 1; plus strand), DSG1-AS1 (DSG1 antisense RNA 1; minus strand), LOC126862720 (MED14-independent group 3 enhancer GRCh37_chr18:28933613-28934812; plus strand). Cytogenetic location: 18q12.1.
Variant type: single nucleotide variant.
Coding change: c.2634T>G on transcript NM_001942.4 (MANE Select); coding-DNA position 2634, T replaced by G.
Protein change: p.His878Gln; replaces histidine 878 with glutamine.
Molecular consequence: missense variant.
Genome position (GRCh38, 1-based): chr18:31,354,830, T>G. VCF-style: chr18-31354830-T-G. GRCh37 (hg19) VCF-style: chr18-28934793-T-G.
Other names: short protein forms H878Q.
Identifiers: ClinVar variation 1518595 (VCV001518595.8), dbSNP rs750116382, ClinGen allele CA8926416.

ClinVar aggregate classification (germline): Uncertain significance (1 of 4 stars; one submission).

Allele frequency attached by ClinVar (database versions not stated): TOPMed 0.00001; ExAC 0.00002; gnomAD exomes 0.00002.
gnomAD v4.1: 5 of 1,614,126 alleles (0.00031%); highest among the groups gnomAD compares: Admixed American, 0.0083%; no homozygotes.

Submission:

Labcorp Genetics (formerly Invitae), Labcorp
Classification: Uncertain significance. Last evaluated: 2025-04-11. Review status: criteria provided, single submitter. Criteria: Invitae Variant Classification Sherloc (09022015). Collection method: clinical testing. Allele origin: germline.
Comment: This sequence change replaces histidine, which is basic and polar, with glutamine, which is neutral and polar, at codon 878 of the DSG1 protein (p.His878Gln). This variant is present in population databases (rs750116382, gnomAD 0.01%). This variant has not been reported in the literature in individuals affected with DSG1-related conditions. ClinVar contains an entry for this variant (Variation ID: 1518595). An algorithm developed to predict the effect of missense changes on protein structure and function outputs the following: PolyPhen-2: "Benign". The glutamine amino acid residue is found in multiple mammalian species, which suggests that this missense change does not adversely affect protein function. In summary, the available evidence is currently insufficient to determine the role of this variant in disease. Therefore, it has been classified as a Variant of Uncertain Significance.